The following is an entry in ClinVar:

NM_130849.4(SLC39A4):c.908dup (p.Gln304fs)

Gene: SLC39A4 (solute carrier family 39 member 4; minus strand). Cytogenetic location: 8q24.3.
Variant type: Duplication.
Coding change: c.908dup on transcript NM_130849.4 (MANE Select); coding-DNA position 908, one base duplicated (A; older notation c.908dupA).
Protein change: p.Gln304fs; shifts the reading frame from glutamine 304.
Molecular consequence: frameshift variant.
Genome position (GRCh38, 1-based): chr8:144,414,793, T duplicated on the plus strand (A on the coding strand, the reverse complement: SLC39A4 is on the minus strand). VCF-style (leftmost placement, unchanged base first): chr8-144414792-C-CT. GRCh37 (hg19) VCF-style: chr8-145640176-C-CT.
Other names: c.626dup, p.Gln210fs (NM_001374839.1); c.833dup, p.Gln279fs (NM_017767.3); short protein forms Q210fs, Q304fs, Q279fs.
Identifiers: ClinVar variation 1392271 (VCV001392271.6), dbSNP rs1822094873, ClinGen allele CA1826307378.

ClinVar aggregate classification (germline): Pathogenic (1 of 4 stars; one submission).

Allele frequency attached by ClinVar (database versions not stated): gnomAD exomes 0.00001.

Submission:

Labcorp Genetics (formerly Invitae), Labcorp
Classification: Pathogenic. Last evaluated: 2023-08-24. Review status: criteria provided, single submitter. Criteria: Invitae Variant Classification Sherloc (09022015). Collection method: clinical testing. Allele origin: germline.
Comment: For these reasons, this variant has been classified as Pathogenic. Algorithms developed to predict the effect of sequence changes on RNA splicing suggest that this variant may disrupt the consensus splice site. ClinVar contains an entry for this variant (Variation ID: 1392271). This variant has not been reported in the literature in individuals affected with SLC39A4-related conditions. This variant is not present in population databases (gnomAD no frequency). This sequence change creates a premature translational stop signal (p.Gln304Alafs*114) in the SLC39A4 gene. It is expected to result in an absent or disrupted protein product. Loss-of-function variants in SLC39A4 are known to be pathogenic (PMID: 12955721).

Literature cited by the submitters: PubMed 12955721.